The following is an entry in ClinVar:

ClinVar aggregate classification (germline): Pathogenic (1 of 4 stars; one submission).

Conditions:
Parathyroid carcinoma (PRTC). Also called: Parathyroid gland carcinoma; CDC73-Related Parathyroid Carcinoma. Identifiers: Orphanet 143, MedGen C0687150, MONDO:0012004, OMIM 608266, HP:0006780.

Submission:

Labcorp Genetics (formerly Invitae), Labcorp
Classification: Pathogenic for Parathyroid carcinoma. Last evaluated: 2016-04-21. Review status: criteria provided, single submitter. Criteria: Invitae Variant Classification Sherloc (09022015). Collection method: clinical testing. Allele origin: germline.
Comment: This variant is a gross deletion of the genomic region encompassing exon 3 of the CDC73 gene. This creates a premature translational stop signal and is expected to result in an absent or disrupted protein product. Truncating variants in CDC73 are known to be pathogenic. A deletion of exon 3 has been reported in the literature in an individual affected with primary hyperparathyroidism (PMID: 2329331). For these reasons, this variant has been classified as Pathogenic.

NC_000001.11:g.(?_193130174)_(193130243_?)del

Gene: CDC73 (cell division cycle 73; plus strand). Cytogenetic location: 1q31.2.
Variant type: Deletion.
Identifiers: ClinVar variation 417319 (VCV000417319.1).